The following is an entry in ClinVar:

ClinVar aggregate classification (germline): Uncertain significance (1 of 4 stars; one submission).

Conditions:
Baller-Gerold syndrome (BGS). Also called: CRANIOSYNOSTOSIS WITH RADIAL DEFECTS. Identifiers: Orphanet 1225, MedGen C0265308, MONDO:0009039, OMIM 218600.

Submission:

Labcorp Genetics (formerly Invitae), Labcorp
Classification: Uncertain significance for Baller-Gerold syndrome. Last evaluated: 2018-08-04. Review status: criteria provided, single submitter. Criteria: Invitae Variant Classification Sherloc (09022015). Collection method: clinical testing. Allele origin: germline.
Comment: This sequence change replaces threonine with alanine at codon 465 of the RECQL4 protein (p.Thr465Ala). The threonine residue is highly conserved and there is a small physicochemical difference between threonine and alanine. This variant is not present in population databases (ExAC no frequency). This variant has not been reported in the literature in individuals with RECQL4-related disease. Algorithms developed to predict the effect of missense changes on protein structure and function are either unavailable or do not agree on the potential impact of this missense change (SIFT: "Deleterious"; PolyPhen-2: "Possibly Damaging"; Align-GVGD: "Class C0"). In summary, the available evidence is currently insufficient to determine the role of this variant in disease. Therefore, it has been classified as a Variant of Uncertain Significance.

NM_004260.4(RECQL4):c.1393A>G (p.Thr465Ala)

Gene: RECQL4 (RecQ like helicase 4; minus strand). Cytogenetic location: 8q24.3.
Variant type: single nucleotide variant.
Coding change: c.1393A>G on transcript NM_004260.4 (MANE Select); coding-DNA position 1393, A replaced by G.
Protein change: p.Thr465Ala; replaces threonine 465 with alanine.
Molecular consequence: missense variant.
Genome position (GRCh38, 1-based): chr8:144,515,240, T>C on the plus strand (A>G on the coding strand, the complement: RECQL4 is on the minus strand). VCF-style: chr8-144515240-T-C. GRCh37 (hg19) VCF-style: chr8-145740624-T-C.
Other names: short protein forms T465A.
Identifiers: ClinVar variation 647631 (VCV000647631.4), dbSNP rs1586816517, ClinGen allele CA372685108.